The following is an entry in ClinVar:

ClinVar aggregate classification (germline): Uncertain significance (1 of 4 stars; one submission).

Conditions:
Bethlem myopathy 2 (BTHLM2). Identifiers: Orphanet 536516, Orphanet 610, MedGen C4225313, MONDO:0034022, OMIM 616471.
Ullrich congenital muscular dystrophy 2 (UCMD2). Identifiers: Orphanet 75840, MedGen C4225314, MONDO:0014654, OMIM 616470.

Submission:

Labcorp Genetics (formerly Invitae), Labcorp
Classification: Uncertain significance for Bethlem myopathy 2; Ullrich congenital muscular dystrophy 2. Last evaluated: 2025-08-10. Review status: criteria provided, single submitter. Criteria: Invitae Variant Classification Sherloc (09022015). Collection method: clinical testing. Allele origin: germline.
Comment: This sequence change replaces threonine, which is neutral and polar, with lysine, which is basic and polar, at codon 249 of the COL12A1 protein (p.Thr249Lys). This variant is not present in population databases (gnomAD no frequency). This variant has not been reported in the literature in individuals affected with COL12A1-related conditions. Invitae Evidence Modeling of protein sequence and biophysical properties (such as structural, functional, and spatial information, amino acid conservation, physicochemical variation, residue mobility, and thermodynamic stability) indicates that this missense variant is expected to disrupt COL12A1 protein function with a positive predictive value of 80%. In summary, the available evidence is currently insufficient to determine the role of this variant in disease. Therefore, it has been classified as a Variant of Uncertain Significance.

NM_004370.6(COL12A1):c.746C>A (p.Thr249Lys)

Gene: COL12A1 (collagen type XII alpha 1 chain; minus strand). Cytogenetic location: 6q13.
Variant type: single nucleotide variant.
Coding change: c.746C>A on transcript NM_004370.6 (MANE Select); coding-DNA position 746, C replaced by A.
Protein change: p.Thr249Lys; replaces threonine 249 with lysine.
Molecular consequence: missense variant. On other transcripts: intron variant (2).
Genome position (GRCh38, 1-based): chr6:75,189,294, G>T on the plus strand (C>A on the coding strand, the complement: COL12A1 is on the minus strand). VCF-style: chr6-75189294-G-T. GRCh37 (hg19) VCF-style: chr6-75899010-G-T.
Other names: c.746C>A, p.Thr249Lys (NM_001424113.1, NM_001424114.1, NM_001424115.1); c.73+13426C>A (NM_001424116.1, NM_080645.3); short protein forms T249K.
Identifiers: ClinVar variation 4792228 (VCV004792228.1).